The following is an entry in ClinVar:

NM_001171.6(ABCC6):c.1784G>A (p.Arg595Gln)

Gene: ABCC6 (ATP binding cassette subfamily C member 6; minus strand). Cytogenetic location: 16p13.11.
Variant type: single nucleotide variant.
Coding change: c.1784G>A on transcript NM_001171.6 (MANE Select); coding-DNA position 1784, G replaced by A.
Protein change: p.Arg595Gln; replaces arginine 595 with glutamine.
Molecular consequence: missense variant. On other transcripts: non-coding transcript variant (1).
Genome position (GRCh38, 1-based): chr16:16,187,207, C>T on the plus strand (G>A on the coding strand, the complement: ABCC6 is on the minus strand). VCF-style: chr16-16187207-C-T. GRCh37 (hg19) VCF-style: chr16-16281064-C-T.
Other names: c.1442G>A, p.Arg481Gln (NM_001351800.1); c.1784G>A (NM_001171.5); short protein forms R481Q, R595Q.
Identifiers: ClinVar variation 1443308 (VCV001443308.8), dbSNP rs762499171, ClinGen allele CA7926156.
Genomic context (GRCh38, chr16:16,187,207, plus strand): 5'-ACGACACCAGGGTCAACTTCTTCCAGGCAGAGGAAGGTGACCAGACGGTCAAAGGACACC[C>T]GGGCCTAGGAAAACCGAAGCCGCAGGTCACCCAGCAAGAAGAGCAAAGAACTCAGGTTTT-3'
Protein context (NP_001162.5, residues 585-605): PFSIHSLVQA[Arg595Gln]VSFDRLVTFL

ClinVar aggregate classification (germline): Uncertain significance. Review status: criteria provided, multiple submitters, no conflicts (2 of 4 stars). 3 submissions from 3 submitters: Uncertain significance (3). Last evaluated 2026-09-09.

Conditions:
ABCC6-related disorder. Also called: ABCC6-related condition.
Arterial calcification, generalized, of infancy, 2. Identifiers: Orphanet 51608, MedGen C3276161, MONDO:0013768, OMIM 614473.
Autosomal recessive inherited pseudoxanthoma elasticum (PXE). Identifiers: Orphanet 758, MedGen CN032334, MONDO:0009925, OMIM 264800.
Pseudoxanthoma elasticum, forme fruste. Also called: Pseudoxanthoma Elasticum, Incomplete; PSEUDOXANTHOMA ELASTICUM, HETEROZYGOUS. Identifiers: Orphanet 758, MedGen C1867450, MONDO:0008333, OMIM 177850.

Allele frequency attached by ClinVar (database versions not stated): gnomAD 0.00001; gnomAD exomes 0.00002; TOPMed 0.00002; ExAC 0.00006.
gnomAD v4.1: 24 of 1,613,110 alleles (0.0015%); highest among the groups gnomAD compares: East Asian, 0.029%; no homozygotes.

Submissions (3):

PreventionGenetics, part of Exact Sciences
Classification: Uncertain significance for ABCC6-related condition. Last evaluated: 2026-09-09. Review status: criteria provided, single submitter. Criteria: ACMG Guidelines, 2015. Collection method: clinical testing. Allele origin: germline.
Comment: The ABCC6 c.1784G>A variant is predicted to result in the amino acid substitution p.Arg595Gln. To our knowledge, this variant has not been reported in the literature. This variant is reported in 0.030% of alleles in individuals of East Asian descent in gnomAD. Another variant affecting the same amino acid position, c.1783C>T, p.(Arg595Trp), has been reported in an individual with premature coronary artery disease (Table S5, Teng et al. 2024. PubMed ID: 38297435). At this time, the clinical significance of this variant is uncertain due to the absence of conclusive functional and genetic evidence.

Labcorp Genetics (formerly Invitae), Labcorp
Classification: Uncertain significance. Last evaluated: 2024-03-04. Review status: criteria provided, single submitter. Criteria: Invitae Variant Classification Sherloc (09022015). Collection method: clinical testing. Allele origin: germline.
Comment: This sequence change replaces arginine, which is basic and polar, with glutamine, which is neutral and polar, at codon 595 of the ABCC6 protein (p.Arg595Gln). This variant is present in population databases (rs762499171, gnomAD 0.03%). This variant has not been reported in the literature in individuals affected with ABCC6-related conditions. ClinVar contains an entry for this variant (Variation ID: 1443308). Advanced modeling of protein sequence and biophysical properties (such as structural, functional, and spatial information, amino acid conservation, physicochemical variation, residue mobility, and thermodynamic stability) performed at Invitae indicates that this missense variant is not expected to disrupt ABCC6 protein function with a negative predictive value of 80%. In summary, the available evidence is currently insufficient to determine the role of this variant in disease. Therefore, it has been classified as a Variant of Uncertain Significance.

Fulgent Genetics
Classification: Uncertain significance for Pseudoxanthoma elasticum, forme fruste; Autosomal recessive inherited pseudoxanthoma elasticum; Arterial calcification, generalized, of infancy, 2. Last evaluated: 2024-02-13. Review status: criteria provided, single submitter. Criteria: ACMG Guidelines, 2015. Collection method: clinical testing. Allele origin: germline.